The following is an entry in ClinVar:

NM_001363711.2(DUOX2):c.295C>T (p.His99Tyr)

Gene: DUOX2 (dual oxidase 2; minus strand). Cytogenetic location: 15q21.1.
Variant type: single nucleotide variant.
Coding change: c.295C>T on transcript NM_001363711.2 (MANE Select); coding-DNA position 295, C replaced by T.
Protein change: p.His99Tyr; replaces histidine 99 with tyrosine.
Molecular consequence: missense variant.
Genome position (GRCh38, 1-based): chr15:45,112,584, G>A on the plus strand (C>T on the coding strand, the complement: DUOX2 is on the minus strand). VCF-style: chr15-45112584-G-A. GRCh37 (hg19) VCF-style: chr15-45404782-G-A.
Other names: p.His99Tyr; c.295C>T (NM_014080.4); c.295C>T, p.His99Tyr (NM_014080.5); short protein forms H99Y.
Identifiers: ClinVar variation 1933230 (VCV001933230.28), dbSNP rs760259623, ClinGen allele CA270135235.

ClinVar aggregate classification (germline): Uncertain significance. Review status: criteria provided, multiple submitters, no conflicts (2 of 4 stars). 3 submissions from 3 submitters: Uncertain significance (3). Last evaluated 2025-12-17.

Allele frequency attached by ClinVar (database versions not stated): gnomAD 0.00001; TOPMed 0.00002.
gnomAD v4.1: 15 of 1,612,998 alleles (0.00093%); highest among the groups gnomAD compares: Admixed American, 0.0017%; no homozygotes.

Submissions (3):

Labcorp Genetics (formerly Invitae), Labcorp
Classification: Uncertain significance. Last evaluated: 2025-12-17. Review status: criteria provided, single submitter. Criteria: Invitae Variant Classification Sherloc (09022015). Collection method: clinical testing. Allele origin: germline.
Comment: This sequence change replaces histidine, which is basic and polar, with tyrosine, which is neutral and polar, at codon 99 of the DUOX2 protein (p.His99Tyr). This variant is present in population databases (no rsID available, gnomAD 0.004%). This variant has not been reported in the literature in individuals affected with DUOX2-related conditions. ClinVar contains an entry for this variant (Variation ID: 1933230). Invitae Evidence Modeling of protein sequence and biophysical properties (such as structural, functional, and spatial information, amino acid conservation, physicochemical variation, residue mobility, and thermodynamic stability) indicates that this missense variant is not expected to disrupt DUOX2 protein function with a negative predictive value of 80%. In summary, the available evidence is currently insufficient to determine the role of this variant in disease. Therefore, it has been classified as a Variant of Uncertain Significance.

Mayo Clinic Laboratories, Mayo Clinic
Classification: Uncertain significance. Last evaluated: 2024-02-06. Review status: criteria provided, single submitter. Criteria: ACMG Guidelines, 2015. Collection method: clinical testing. Allele origin: germline. Observed: 1 variant allele.
Comment: BP4

CeGaT Center for Human Genetics Tuebingen
Classification: Uncertain significance. Last evaluated: 2023-02-01. Review status: criteria provided, single submitter. Criteria: CeGaT Center For Human Genetics Tuebingen Variant Classification Criteria Version 2. Collection method: clinical testing. Allele origin: germline. Affected: yes. Observed: 1 variant allele.
Comment: DUOX2: PM2:Supporting, BP4